The following is an entry in ClinVar:

ClinVar aggregate classification (germline): Pathogenic. Review status: criteria provided, single submitter (1 of 4 stars). 2 submissions from 1 submitter: Pathogenic (1). 1 of the submissions does not count toward it. Last evaluated 2019-11-17.

Conditions:
Familial adenomatous polyposis 1 (FAP1). Also called: POLYPOSIS, ADENOMATOUS INTESTINAL; FAMILIAL ADENOMATOUS POLYPOSIS 1, ATTENUATED. Identifiers: MedGen C2713442, MONDO:0021056, OMIM 175100. Disease mechanism: loss of function.

Submissions (2):

Labcorp Genetics (formerly Invitae), Labcorp
Classification: Pathogenic for Familial adenomatous polyposis 1. Last evaluated: 2019-11-17. Review status: criteria provided, single submitter. Criteria: Invitae Variant Classification Sherloc (09022015). Collection method: clinical testing. Allele origin: germline.
Comment: For these reasons, this variant has been classified as Pathogenic. While this particular deletion has not been reported in the literature, exon-level deletions and loss-of-function variants in APC are known to be pathogenic (PMID: 20685668, 17963004). This variant is a gross deletion of the genomic region encompassing promoter 1B, promoter 1A and exons 2-6 of the APC gene, which includes the initiator codon. The 5' end of this event is unknown as it extends beyond the assayed region for this gene and therefore may encompass additional genes. The 3' boundary is likely confined to intron 6 of the APC gene. This is expected to result in an absent or disrupted protein product.

Labcorp Genetics (formerly Invitae), Labcorp
Classification: Pathogenic for Familial adenomatous polyposis 1. Last evaluated: 2019-11-19. Review status: flagged submission. Criteria: Invitae Variant Classification Sherloc (09022015). Collection method: clinical testing. Allele origin: germline. Not counted in ClinVar's aggregate classification.
Comment: This variant is a gross deletion of the genomic region encompassing promoter 1B, promoter 1A and exons 2-6 of the APC gene, which includes the initiator codon. The 5' end of this event is unknown as it extends beyond the assayed region for this gene and therefore may encompass additional genes. The 3' boundary is likely confined to intron 6 of the APC gene. This is expected to result in an absent or disrupted protein product. While this particular deletion has not been reported in the literature, exon-level deletions and loss-of-function variants in APC are known to be pathogenic (PMID: 20685668, 17963004). For these reasons, this variant has been classified as Pathogenic.
ClinVar note: Reason: This record appears to be redundant with a more recent record from the same submitter.
ClinVar note: Notes: SCV000647147 appears to be redundant with SCV002246518.

Literature cited by the submitters: PubMed 20685668; PubMed 17963004.

NC_000005.10:g.(?_112707312)_(112780909_?)del

Genes: APC (APC regulator of Wnt signaling pathway; plus strand), LOC129994371 (ATAC-STARR-seq lymphoblastoid active region 22910; plus strand). Cytogenetic location: 5q22.2.
Variant type: Deletion.
Identifiers: ClinVar variation 469683 (VCV000469683.6).